The following is an entry in ClinVar:

ClinVar aggregate classification (germline): Benign/Likely benign. Review status: criteria provided, multiple submitters, no conflicts (2 of 4 stars). 8 submissions from 8 submitters: Benign (1); Likely benign (7). Last evaluated 2025-09-29.

Conditions:
Endometrial carcinoma. Also called: Endometrial carcinoma, somatic. Identifiers: MedGen C0476089, MONDO:0002447, OMIM 608089, HP:0012114.
Lynch syndrome 5 (LYNCH5). Also called: Hereditary non-polyposis colorectal cancer, type 5; Colorectal cancer, hereditary nonpolyposis, type 5. Identifiers: Orphanet 144, MedGen C1833477, MONDO:0013710, OMIM 614350. Disease mechanism: loss of function.
Mismatch repair cancer syndrome 3. Identifiers: MedGen C5436807, MONDO:0030841, OMIM 619097.
Hereditary cancer-predisposing syndrome. Also called: Hereditary Cancer Syndrome; Hereditary neoplastic syndrome; Neoplastic Syndromes, Hereditary; Tumor predisposition. Identifiers: Orphanet 140162, MedGen C0027672, MeSH D009386, MONDO:0015356.
Hereditary nonpolyposis colorectal neoplasms. Identifiers: MedGen C0009405, MeSH D003123.
Lynch syndrome. Identifiers: Orphanet 144, MedGen C4552100, MONDO:0005835. Disease mechanism: loss of function.

Allele frequency attached by ClinVar (database versions not stated): gnomAD exomes 0.00001.
gnomAD v4.1: 17 of 1,614,122 alleles (0.0011%); highest among the groups gnomAD compares: Non-Finnish European, 0.0013%; 1 homozygote.

Submissions (8):

Labcorp Genetics (formerly Invitae), Labcorp
Classification: Likely benign for Hereditary nonpolyposis colorectal neoplasms. Last evaluated: 2025-09-29. Review status: criteria provided, single submitter. Criteria: Invitae Variant Classification Sherloc (09022015). Collection method: clinical testing. Allele origin: germline.

Myriad Genetics, Inc.
Classification: Benign for Lynch syndrome 5. Last evaluated: 2024-12-31. Review status: criteria provided, single submitter. Criteria: Myriad Autosomal Dominant, Autosomal Recessive and X-Linked Classification Criteria (2023). Collection method: clinical testing. Allele origin: unknown.
Comment: This variant is considered benign. This variant is a silent/synonymous amino acid change and it is not expected to impact splicing.

All of Us Research Program, National Institutes of Health
Classification: Likely benign for Lynch syndrome. Last evaluated: 2024-09-23. Review status: criteria provided, single submitter. Criteria: ACMG Guidelines, 2015. Collection method: clinical testing. Allele origin: germline. Inheritance: Autosomal dominant inheritance. Observed: 5 variant alleles, 5 heterozygotes.
Comment: This study involves interpretation of variants in research participants for the purpose of population health screening. Participant phenotype was not available at the time of variant classification. Additional details can be found in publication PMID: 35346344, PMCID: PMC8962531

Sema4
Classification: Likely benign for Hereditary cancer-predisposing syndrome. Last evaluated: 2021-09-15. Review status: criteria provided, single submitter. Criteria: Sema4 Curation Guidelines. Collection method: curation. Allele origin: germline.

Department of Pathology and Laboratory Medicine, Sinai Health System
Classification: Likely benign for Endometrial carcinoma; Lynch syndrome 5; Mismatch repair cancer syndrome 3. Last evaluated: 2020-12-17. Review status: criteria provided, single submitter. Criteria: ACMG Guidelines, 2015. Collection method: clinical testing. Allele origin: germline. Affected: no.

GeneDx
Classification: Likely benign. Last evaluated: 2017-09-20. Review status: criteria provided, single submitter. Criteria: GeneDx Variant Classification (06012015). Collection method: clinical testing. Allele origin: germline. Affected: yes.
Comment: This variant is considered likely benign or benign based on one or more of the following criteria: it is a conservative change, it occurs at a poorly conserved position in the protein, it is predicted to be benign by multiple in silico algorithms, and/or has population frequency not consistent with disease.

Ambry Genetics
Classification: Likely benign for Hereditary cancer-predisposing syndrome. Last evaluated: 2016-04-07. Review status: criteria provided, single submitter. Criteria: Ambry Variant Classification Scheme 2023. Collection method: clinical testing. Allele origin: germline.

Color Diagnostics, LLC DBA Color Health
Classification: Likely benign for Hereditary cancer-predisposing syndrome. Last evaluated: 2016-01-11. Review status: criteria provided, single submitter. Criteria: ACMG Guidelines, 2015. Collection method: clinical testing. Allele origin: germline.

NM_000179.3(MSH6):c.2436A>G (p.Leu812=)

Gene: MSH6 (mutS homolog 6; plus strand). Cytogenetic location: 2p16.3.
Variant type: single nucleotide variant.
Coding change: c.2436A>G on transcript NM_000179.3 (MANE Select); coding-DNA position 2436, A replaced by G.
Protein change: p.Leu812=; no amino-acid change (leucine 812 retained).
Molecular consequence: synonymous variant.
Genome position (GRCh38, 1-based): chr2:47,800,419, A>G. VCF-style: chr2-47800419-A-G. GRCh37 (hg19) VCF-style: chr2-48027558-A-G.
Other names: c.2046A>G, p.Leu682= (NM_001281492.2); c.1530A>G, p.Leu510= (NM_001281493.2, NM_001281494.2).
Identifiers: ClinVar variation 386137 (VCV000386137.23), dbSNP rs897288945, ClinGen allele CA16604294.